The following is an entry in ClinVar:

ClinVar aggregate classification (germline): Uncertain significance (1 of 4 stars; one submission).

Conditions:
Hereditary cancer-predisposing syndrome. Also called: Neoplastic Syndromes, Hereditary; Tumor predisposition; Hereditary Cancer Syndrome; Hereditary neoplastic syndrome. Identifiers: Orphanet 140162, MedGen C0027672, MeSH D009386, MONDO:0015356.

Submission:

Ambry Genetics
Classification: Uncertain significance for Hereditary cancer-predisposing syndrome. Last evaluated: 2023-04-04. Review status: criteria provided, single submitter. Criteria: Ambry Variant Classification Scheme 2023. Collection method: clinical testing. Allele origin: germline.
Comment: The p.W3191L variant (also known as c.9572G>T), located in coding exon 25 of the BRCA2 gene, results from a G to T substitution at nucleotide position 9572. The tryptophan at codon 3191 is replaced by leucine, an amino acid with similar properties. This amino acid position is not well conserved in available vertebrate species. In addition, this alteration is predicted to be tolerated by in silico analysis. Since supporting evidence is limited at this time, the clinical significance of this alteration remains unclear.

NM_000059.4(BRCA2):c.9572G>T (p.Trp3191Leu)

Gene: BRCA2 (BRCA2 DNA repair associated; plus strand). Cytogenetic location: 13q13.1.
Variant type: single nucleotide variant.
Coding change: c.9572G>T on transcript NM_000059.4 (MANE Select); coding-DNA position 9572, G replaced by T.
Protein change: p.Trp3191Leu; replaces tryptophan 3191 with leucine.
Molecular consequence: missense variant.
Genome position (GRCh38, 1-based): chr13:32,396,968, G>T. VCF-style: chr13-32396968-G-T. GRCh37 (hg19) VCF-style: chr13-32971105-G-T.
Other names: short protein forms W3191L.
Identifiers: ClinVar variation 141476 (VCV000141476.5), dbSNP rs397508063, ClinGen allele CA026217.